The following is an entry in ClinVar:

ClinVar aggregate classification (germline): Uncertain significance (1 of 4 stars; one submission).

Submission:

Women's Health and Genetics/Laboratory Corporation of America, LabCorp
Classification: Uncertain significance. Last evaluated: 2024-08-06. Review status: criteria provided, single submitter. Criteria: LabCorp Variant Classification Summary - May 2015. Collection method: clinical testing. Allele origin: germline.
Comment: Variant summary: COL4A4 c.3541G>A (p.Gly1181Arg) results in a non-conservative amino acid change in the encoded protein sequence. Five of five in-silico tools predict a damaging effect of the variant on protein function. The variant was absent in 248944 control chromosomes (gnomAD). The available data on variant occurrences in the general population are insufficient to allow any conclusion about variant significance. To our knowledge, no occurrence of c.3541G>A in individuals affected with Alport Syndrome, Autosomal Recessive and no experimental evidence demonstrating its impact on protein function have been reported. No submitters have cited clinical-significance assessments for this variant to ClinVar. Based on the evidence outlined above, the variant was classified as uncertain significance.

NM_000092.5(COL4A4):c.3541G>A (p.Gly1181Arg)

Gene: COL4A4 (collagen type IV alpha 4 chain; minus strand). Cytogenetic location: 2q36.3.
Variant type: single nucleotide variant.
Coding change: c.3541G>A on transcript NM_000092.5 (MANE Select); coding-DNA position 3541, G replaced by A.
Protein change: p.Gly1181Arg; replaces glycine 1181 with arginine.
Molecular consequence: missense variant.
Genome position (GRCh38, 1-based): chr2:227,033,446, C>T on the plus strand (G>A on the coding strand, the complement: COL4A4 is on the minus strand). VCF-style: chr2-227033446-C-T. GRCh37 (hg19) VCF-style: chr2-227898162-C-T.
Other names: short protein forms G1181R.
Identifiers: ClinVar variation 3366470 (VCV003366470.1).